The following is an entry in ClinVar:

ClinVar aggregate classification (germline): Pathogenic (1 of 4 stars; one submission).

Conditions:
Medium-chain acyl-coenzyme A dehydrogenase deficiency (ACADMD). Also called: ACADM DEFICIENCY; CARNITINE DEFICIENCY SECONDARY TO MEDIUM-CHAIN ACYL-CoA DEHYDROGENASE DEFICIENCY; MCADH DEFICIENCY; MCADD; Medium chain acyl-CoA dehydrogenase deficiency; MCAD Deficiency. Identifiers: Orphanet 42, MedGen C0220710, MONDO:0008721, OMIM 201450.

Submission:

Myriad Genetics, Inc.
Classification: Pathogenic for Medium-chain acyl-coenzyme A dehydrogenase deficiency. Last evaluated: 2025-10-03. Review status: criteria provided, single submitter. Criteria: Myriad Autosomal Dominant, Autosomal Recessive and X-Linked Classification Criteria (2023). Collection method: clinical testing. Allele origin: unknown.
Comment: NM_000016.4(ACADM):c.12delG(F5Sfs*8) is expected to be pathogenic in the context of medium-chain acyl-CoA dehydrogenase deficiency. This variant is predicted to lead to an abnormal or absent protein product due to the creation of a premature termination codon in ACADM, a gene where loss-of-function variants are known to be pathogenic. Please note: this variant was assessed in the context of healthy population screening.

NM_000016.6(ACADM):c.12del (p.Phe5fs)

Gene: ACADM (acyl-CoA dehydrogenase medium chain; plus strand). Cytogenetic location: 1p31.1.
Variant type: Deletion.
Coding change: c.12del on transcript NM_000016.6 (MANE Select); coding-DNA position 12, one base deleted (G; older notation c.12delG).
Protein change: p.Phe5fs; shifts the reading frame from phenylalanine 5.
Molecular consequence: frameshift variant. On other transcripts: 5 prime UTR variant (2).
Genome position (GRCh38, 1-based): chr1:75,724,799, G deleted; the last of 4 consecutive G bases (chr1:75,724,796-75,724,799); deleting any one gives the same sequence. VCF-style (leftmost placement, unchanged base first): chr1-75724795-CG-C. GRCh37 (hg19) VCF-style: chr1-76190480-CG-C.
Other names: c.12del, p.Phe5fs (NM_001127328.3, NM_001286043.2); c.-9del (NM_001286042.2); c.-286del (NM_001286044.2); short protein forms F5fs.
Identifiers: ClinVar variation 5015042 (VCV005015042.1).